The following is an entry in ClinVar:

NM_005647.4(TBL1X):c.1526A>G (p.Tyr509Cys)

Gene: TBL1X (transducin beta like 1 X-linked; plus strand). Cytogenetic location: Xp22.2.
Variant type: single nucleotide variant.
Coding change: c.1526A>G on transcript NM_005647.4 (MANE Select); coding-DNA position 1526, A replaced by G.
Protein change: p.Tyr509Cys; replaces tyrosine 509 with cysteine.
Molecular consequence: missense variant.
Genome position (GRCh38, 1-based): chrX:9,711,697, A>G. VCF-style: chrX-9711697-A-G. GRCh37 (hg19) VCF-style: chrX-9679737-A-G.
Other names: c.1526A>G, p.Tyr509Cys (NM_001139466.1); c.1373A>G, p.Tyr458Cys (NM_001139467.1, NM_001139468.1); short protein forms Y458C, Y509C.
Identifiers: ClinVar variation 691490 (VCV000691490.2), dbSNP rs1601857555, ClinGen allele CA411988078.

ClinVar aggregate classification (germline): Uncertain significance. Review status: criteria provided, single submitter (1 of 4 stars). 2 submissions from 2 submitters: Uncertain significance (1). 1 of the submissions does not count toward it. Last evaluated 2020-02-14.

Conditions:
Hypothyroidism, congenital, nongoitrous, 8. Identifiers: MedGen C5231395, MONDO:0026731, OMIM 301033.

Submissions (2):

SIB Swiss Institute of Bioinformatics
Classification: Uncertain significance for Hypothyroidism, congenital, nongoitrous, 8. Last evaluated: 2020-02-14. Review status: criteria provided, single submitter. Criteria: ACMG Guidelines, 2015. Collection method: curation. Allele origin: unknown.
Comment: This variant is interpreted as a variant of uncertain significance for Hypothyroidism, congenital, non-goitrous, 8, X-linked. The following ACMG Tag(s) were applied: PM2, PP3.

OMIM
Classification: Pathogenic for HYPOTHYROIDISM, CONGENITAL, NONGOITROUS, 8. Last evaluated: 2019-09-26. Review status: no assertion criteria provided. Collection method: literature only. Allele origin: germline. Not counted in ClinVar's aggregate classification.

Literature cited by the submitters: PubMed 27603907 (cited by SIB Swiss Institute of Bioinformatics and OMIM).